The following is an entry in ClinVar:

ClinVar aggregate classification (germline): Uncertain significance (1 of 4 stars; one submission).

Submission:

GeneDx
Classification: Uncertain significance. Last evaluated: 2025-07-09. Review status: criteria provided, single submitter. Criteria: GeneDx Variant Classification Process June 2021. Collection method: clinical testing. Allele origin: germline. Affected: yes.
Comment: Not observed at significant frequency in large population cohorts (gnomAD); In silico analysis supports that this missense variant has a deleterious effect on protein structure/function; Has not been previously published as pathogenic or benign to our knowledge

NM_001394062.1(MACF1):c.3455A>C (p.Lys1152Thr)

Gene: MACF1 (microtubule actin crosslinking factor 1; plus strand). Cytogenetic location: 1p34.3.
Variant type: single nucleotide variant.
Coding change: c.3455A>C on transcript NM_001394062.1 (MANE Select); coding-DNA position 3455, A replaced by C.
Protein change: p.Lys1152Thr; replaces lysine 1152 with threonine.
Molecular consequence: missense variant.
Genome position (GRCh38, 1-based): chr1:39,316,396, A>C. VCF-style: chr1-39316396-A-C. GRCh37 (hg19) VCF-style: chr1-39782068-A-C.
Other names: c.3470A>C, p.Lys1157Thr (NM_012090.5); short protein forms K1152T, K1157T.
Identifiers: ClinVar variation 4686198 (VCV004686198.1).